The following is an entry in ClinVar:

NM_001080.3(ALDH5A1):c.523T>C (p.Tyr175His)

Gene: ALDH5A1 (aldehyde dehydrogenase 5 family member A1; plus strand). Cytogenetic location: 6p22.3.
Variant type: single nucleotide variant.
Coding change: c.523T>C on transcript NM_001080.3 (MANE Select); coding-DNA position 523, T replaced by C.
Protein change: p.Tyr175His; replaces tyrosine 175 with histidine.
Molecular consequence: missense variant.
Genome position (GRCh38, 1-based): chr6:24,503,347, T>C. VCF-style: chr6-24503347-T-C. GRCh37 (hg19) VCF-style: chr6-24503575-T-C.
Other names: c.523T>C, p.Tyr175His (NM_001368954.1, NM_170740.1); short protein forms Y175H.
Identifiers: ClinVar variation 2014184 (VCV002014184.4), dbSNP rs2532832570, ClinGen allele CA362969566.
Genomic context (GRCh38, chr6:24,503,347, plus strand): 5'-GGAGAAATTCTCTATTCCGCCTTTTTCCTAGAGTGGTTCTCTGAGGAAGCCCGCCGTGTT[T>C]ACGGAGACATTATCCACACCCCGGCAAAGGACAGGCGGGCCCTGGTCCTCAAGCAGCCCA-3'
Protein context (NP_001071.1, residues 165-185): EWFSEEARRV[Tyr175His]GDIIHTPAKD

ClinVar aggregate classification (germline): Uncertain significance (1 of 4 stars; one submission).

Conditions:
Succinate-semialdehyde dehydrogenase deficiency (SSADHD). Also called: GABA METABOLIC DEFECT; SSADH DEFICIENCY; Succinic Semialdehyde Dehydrogenase Deficiency; 4-HYDROXYBUTYRIC ACIDURIA. Identifiers: Orphanet 22, MedGen C0268631, MONDO:0010083, OMIM 271980.

Allele frequency attached by ClinVar (database versions not stated): gnomAD exomes below 0.00001.
gnomAD v4.1: 2 of 1,614,160 alleles (0.00012%); highest among the groups gnomAD compares: Non-Finnish European, 0.00017%; no homozygotes.

Submission:

Labcorp Genetics (formerly Invitae), Labcorp
Classification: Uncertain significance for Succinate-semialdehyde dehydrogenase deficiency. Last evaluated: 2022-07-05. Review status: criteria provided, single submitter. Criteria: Invitae Variant Classification Sherloc (09022015). Collection method: clinical testing. Allele origin: germline.
Comment: This sequence change replaces tyrosine, which is neutral and polar, with histidine, which is basic and polar, at codon 175 of the ALDH5A1 protein (p.Tyr175His). In summary, the available evidence is currently insufficient to determine the role of this variant in disease. Therefore, it has been classified as a Variant of Uncertain Significance. Algorithms developed to predict the effect of missense changes on protein structure and function are either unavailable or do not agree on the potential impact of this missense change (SIFT: "Deleterious"; PolyPhen-2: "Possibly Damaging"; Align-GVGD: "Class C0"). This variant has not been reported in the literature in individuals affected with ALDH5A1-related conditions. This variant is not present in population databases (gnomAD no frequency).